The following is an entry in ClinVar:

ClinVar aggregate classification (germline): Likely benign. Review status: criteria provided, multiple submitters, no conflicts (2 of 4 stars). 2 submissions from 2 submitters: Likely benign (2). Last evaluated 2018-06-16.

Allele frequency attached by ClinVar (database versions not stated): 1000 Genomes Project 0.01458; 1000 Genomes Project 30x 0.01468; TOPMed 0.01757; gnomAD 0.01995 and 0.02051.
gnomAD v4.1: 26,053 of 1,009,984 alleles (2.6%); highest among the groups gnomAD compares: South Asian, 4.2%; 440 homozygotes.

Submissions (2):

GeneDx
Classification: Likely benign. Last evaluated: 2018-06-16. Review status: criteria provided, single submitter. Criteria: GeneDx Variant Classification (06012015). Collection method: clinical testing. Allele origin: germline. Affected: yes.
Comment: This variant is considered likely benign or benign based on one or more of the following criteria: it is a conservative change, it occurs at a poorly conserved position in the protein, it is predicted to be benign by multiple in silico algorithms, and/or has population frequency not consistent with disease.

Breakthrough Genomics
Classification: Likely benign. Review status: criteria provided, single submitter. Criteria: ACMG Guidelines, 2015. Collection method: not provided. Allele origin: germline. Inheritance: Autosomal dominant inheritance. Affected: yes.

NM_000093.5(COL5A1):c.3853-125C>A

Gene: COL5A1 (collagen type V alpha 1 chain; plus strand). Cytogenetic location: 9q34.3.
Variant type: single nucleotide variant.
Coding change: c.3853-125C>A on transcript NM_000093.5 (MANE Select); 125 bases into the intron before coding-DNA position 3853, C replaced by A.
Molecular consequence: intron variant.
Genome position (GRCh38, 1-based): chr9:134,813,858, C>A. VCF-style: chr9-134813858-C-A. GRCh37 (hg19) VCF-style: chr9-137705704-C-A.
Other names: c.3853-125C>A (NM_001278074.1).
Identifiers: ClinVar variation 674292 (VCV000674292.2), dbSNP rs191746934, ClinGen allele CA13137938.